The following is an entry in ClinVar:

NM_012309.5(SHANK2):c.745-6dup

Gene: SHANK2 (SH3 and multiple ankyrin repeat domains 2; minus strand). Cytogenetic location: 11q13.4.
Variant type: Duplication.
Coding change: c.745-6dup on transcript NM_012309.5 (MANE Select); 6 bases into the intron before coding-DNA position 745, one base duplicated (T; older notation c.745-6dupT).
Molecular consequence: intron variant.
Genome position (GRCh38, 1-based): chr11:71,092,595, A duplicated on the plus strand (T on the coding strand, the reverse complement: SHANK2 is on the minus strand); the first of 9 consecutive A bases (chr11:71,092,595-71,092,603); duplicating any one gives the same sequence. VCF-style (leftmost placement, unchanged base first): chr11-71092594-G-GA. GRCh37 (hg19) VCF-style: chr11-70803640-G-GA.
Identifiers: ClinVar variation 3904776 (VCV003904776.10).
Genomic context (GRCh38, chr11:71,092,594, plus strand): 5'-GGGGTGAGGCCGTAACTGTCTTTATAATCTGGGGATGCACCAAGCTCTAAAAGGGTCTAG[G>GA]AAAAAAAAATTGAAAGCCGTCGTTATTGGTCTCATGACCCCTTTTGCAGAGTGAGGTGAT-3'

ClinVar aggregate classification (germline): Likely benign (1 of 4 stars; one submission).

Submission:

CeGaT Center for Human Genetics Tuebingen
Classification: Likely benign. Last evaluated: 2025-05-01. Review status: criteria provided, single submitter. Criteria: CeGaT Center For Human Genetics Tuebingen Variant Classification Criteria Version 2. Collection method: clinical testing. Allele origin: germline. Affected: yes. Observed: 1 variant allele.
Comment: SHANK2: BP4, BS1